The following is an entry in ClinVar:

NC_000023.11:g.41473493_41473514del

Gene: NYX (nyctalopin; plus strand). Cytogenetic location: Xp11.4.
Variant type: Deletion.
Genome position: GRCh38 VCF-style: chrX-41473487-GCAGCGGTGGTCCTCGGCCTGCC-G. GRCh37 (hg19) VCF-style: chrX-41332740-GCAGCGGTGGTCCTCGGCCTGCC-G.
Identifiers: ClinVar variation 4732917 (VCV004732917.1).

ClinVar aggregate classification (germline): Pathogenic (1 of 4 stars; one submission).

Submission:

Labcorp Genetics (formerly Invitae), Labcorp
Classification: Pathogenic. Last evaluated: 2025-12-10. Review status: criteria provided, single submitter. Criteria: Invitae Variant Classification Sherloc (09022015). Collection method: clinical testing. Allele origin: germline.
Comment: This sequence change creates a premature translational stop signal (p.Val14Profs*120) in the NYX gene. While this is not anticipated to result in nonsense mediated decay, it is expected to disrupt the last 468 amino acid(s) of the NYX protein. The frequency data for this variant in the population databases is considered unreliable, as metrics indicate insufficient coverage at this position in the gnomAD database. This variant has not been reported in the literature in individuals affected with NYX-related conditions. This variant disrupts a region of the NYX protein in which other variant(s) (p.Cys362*) have been determined to be pathogenic (internal data). This suggests that this is a clinically significant region of the protein, and that variants that disrupt it are likely to be disease-causing. For these reasons, this variant has been classified as Pathogenic.